The following is an entry in ClinVar:

ClinVar aggregate classification (germline): Uncertain significance (1 of 4 stars; one submission).

Submission:

Labcorp Genetics (formerly Invitae), Labcorp
Classification: Uncertain significance. Last evaluated: 2024-12-12. Review status: criteria provided, single submitter. Criteria: Invitae Variant Classification Sherloc (09022015). Collection method: clinical testing. Allele origin: germline.
Comment: This sequence change replaces serine, which is neutral and polar, with arginine, which is basic and polar, at codon 117 of the CYP51A1 protein (p.Ser117Arg). This variant is not present in population databases (gnomAD no frequency). This variant has not been reported in the literature in individuals affected with CYP51A1-related conditions. An algorithm developed to predict the effect of missense changes on protein structure and function (PolyPhen-2) suggests that this variant is likely to be disruptive. In summary, the available evidence is currently insufficient to determine the role of this variant in disease. Therefore, it has been classified as a Variant of Uncertain Significance.

NM_000786.4(CYP51A1):c.351T>G (p.Ser117Arg)

Gene: CYP51A1 (cytochrome P450 family 51 subfamily A member 1; minus strand). Cytogenetic location: 7q21.2.
Variant type: single nucleotide variant.
Coding change: c.351T>G on transcript NM_000786.4 (MANE Select); coding-DNA position 351, T replaced by G.
Protein change: p.Ser117Arg; replaces serine 117 with arginine.
Molecular consequence: missense variant.
Genome position (GRCh38, 1-based): chr7:92,128,997, A>C on the plus strand (T>G on the coding strand, the complement: CYP51A1 is on the minus strand). VCF-style: chr7-92128997-A-C. GRCh37 (hg19) VCF-style: chr7-91758311-A-C.
Other names: c.36T>G, p.Ser12Arg (NM_001146152.2); short protein forms S12R, S117R.
Identifiers: ClinVar variation 3678550 (VCV003678550.2).